The following is an entry in ClinVar:

NM_001017420.3(ESCO2):c.240G>A (p.Ala80=)

Gene: ESCO2 (establishment of sister chromatid cohesion N-acetyltransferase 2; plus strand). Cytogenetic location: 8p21.1.
Variant type: single nucleotide variant.
Coding change: c.240G>A on transcript NM_001017420.3 (MANE Select); coding-DNA position 240, G replaced by A.
Protein change: p.Ala80=; no amino-acid change (alanine 80 retained).
Molecular consequence: synonymous variant.
Genome position (GRCh38, 1-based): chr8:27,776,548, G>A. VCF-style: chr8-27776548-G-A. GRCh37 (hg19) VCF-style: chr8-27634065-G-A.
Other names: c.240G>A (NM_001017420.2).
Identifiers: ClinVar variation 1654163 (VCV001654163.10), dbSNP rs758624389, ClinGen allele CA4692021.

ClinVar aggregate classification (germline): Likely benign. Review status: criteria provided, single submitter (1 of 4 stars). 2 submissions from 2 submitters: Likely benign (1). 1 of the submissions does not count toward it. Last evaluated 2023-11-25.

Conditions:
ESCO2-related disorder. Also called: ESCO2-related condition.

Allele frequency attached by ClinVar (database versions not stated): gnomAD exomes below 0.00001; ExAC 0.00001; gnomAD 0.00004; TOPMed 0.00008.
gnomAD v4.1: 9 of 1,613,930 alleles (0.00056%); highest among the groups gnomAD compares: African/African-American, 0.0053%; no homozygotes.

Submissions (2):

Labcorp Genetics (formerly Invitae), Labcorp
Classification: Likely benign. Last evaluated: 2023-11-25. Review status: criteria provided, single submitter. Criteria: Invitae Variant Classification Sherloc (09022015). Collection method: clinical testing. Allele origin: germline.

PreventionGenetics, part of Exact Sciences
Classification: Likely benign for ESCO2-related condition. Last evaluated: 2019-09-11. Review status: no assertion criteria provided. Collection method: clinical testing. Allele origin: germline. Not counted in ClinVar's aggregate classification.
Comment: This variant is classified as likely benign based on ACMG/AMP sequence variant interpretation guidelines (Richards et al. 2015 PMID: 25741868, with internal and published modifications).